The following is an entry in ClinVar:

NM_182931.3(KMT2E):c.4234del (p.Ser1412fs)

Gene: KMT2E (lysine methyltransferase 2E (inactive); plus strand). Cytogenetic location: 7q22.3.
Variant type: Deletion.
Coding change: c.4234del on transcript NM_182931.3 (MANE Select); coding-DNA position 4234, one base deleted (T; older notation c.4234delT).
Protein change: p.Ser1412fs; shifts the reading frame from serine 1412.
Molecular consequence: frameshift variant.
Genome position (GRCh38, 1-based): chr7:105,111,990, T deleted; the last of 3 consecutive T bases (chr7:105,111,988-105,111,990); deleting any one gives the same sequence. VCF-style (leftmost placement, unchanged base first): chr7-105111987-CT-C. GRCh37 (hg19) VCF-style: chr7-104752434-CT-C.
Other names: c.4108del, p.Ser1370fs (NM_001410908.1); c.4234del, p.Ser1412fs (NM_018682.4); short protein forms S1412fs, S1370fs.
Identifiers: ClinVar variation 3535554 (VCV003535554.1).

ClinVar aggregate classification (germline): Pathogenic (1 of 4 stars; one submission).

Conditions:
Inborn genetic diseases. Identifiers: MedGen C0950123, MeSH D030342.

Submission:

Ambry Genetics
Classification: Pathogenic for Inborn genetic diseases. Last evaluated: 2024-08-26. Review status: criteria provided, single submitter. Criteria: Ambry Variant Classification Scheme 2023. Collection method: clinical testing. Allele origin: germline.
Comment: The c.4234delT (p.S1412Qfs*36) alteration, located in exon 27 (coding exon 25) of the KMT2E gene, consists of a deletion of one nucleotide at position 4234, causing a translational frameshift with a predicted alternate stop codon after 36 amino acids. This alteration occurs at the 3' terminus of the KMT2E gene, is not expected to trigger nonsense-mediated mRNA decay, and only impacts the last 24% of the protein. However, premature stop codons are typically deleterious in nature, the impacted region is critical for protein function, and a significant portion of the protein is affected (Ambry internal data). This variant was not reported in population-based cohorts in the Genome Aggregation Database (gnomAD). Based on the available evidence, this alteration is classified as pathogenic.